The following is an entry in ClinVar:

ClinVar aggregate classification (germline): Uncertain significance (1 of 4 stars; one submission).

Submission:

GeneDx
Classification: Uncertain significance. Last evaluated: 2019-11-07. Review status: criteria provided, single submitter. Criteria: GeneDx Variant Classification Process June 2021. Collection method: clinical testing. Allele origin: germline. Affected: yes.
Comment: Not observed in large population cohorts (Lek et al., 2016); In silico analysis, which includes protein predictors and evolutionary conservation, supports a deleterious effect; Has not been previously published as pathogenic or benign to our knowledge

NM_001904.4(CTNNB1):c.761A>G (p.Tyr254Cys)

Gene: CTNNB1 (catenin beta 1; plus strand). Cytogenetic location: 3p22.1.
Variant type: single nucleotide variant.
Coding change: c.761A>G on transcript NM_001904.4 (MANE Select); coding-DNA position 761, A replaced by G.
Protein change: p.Tyr254Cys; replaces tyrosine 254 with cysteine.
Molecular consequence: missense variant.
Genome position (GRCh38, 1-based): chr3:41,225,686, A>G. VCF-style: chr3-41225686-A-G. GRCh37 (hg19) VCF-style: chr3-41267177-A-G.
Other names: c.761A>G, p.Tyr254Cys (NM_001098209.2, NM_001098210.2); c.740A>G, p.Tyr247Cys (NM_001330729.2); short protein forms Y247C, Y254C.
Identifiers: ClinVar variation 1318448 (VCV001318448.2), dbSNP rs2125624000, ClinGen allele CA352230089.